The following is an entry in ClinVar:

ClinVar aggregate classification (germline): Likely pathogenic (3 of 4 stars; one submission).

Conditions:
Glanzmann thrombasthenia. Also called: PLATELET GLYCOPROTEIN IIb-IIIa DEFICIENCY; Glanzmann's thrombasthenia; BLEEDING DISORDER, PLATELET-TYPE, 2; THROMBASTHENIA OF GLANZMANN AND NAEGELI; Thrombasthenia. Identifiers: Orphanet 849, MedGen C0040015, MONDO:0100326.

Allele frequency attached by ClinVar (database versions not stated): gnomAD exomes below 0.00001; TOPMed below 0.00001; ExAC 0.00001.
gnomAD v4.1: 3 of 1,614,160 alleles (0.00019%); highest among the groups gnomAD compares: Non-Finnish European, 0.00025%; no homozygotes.

Submission:

ClinGen Platelet Disorders Variant Curation Expert Panel, ClinGen
Classification: Likely pathogenic for Glanzmann thrombasthenia. Last evaluated: 2024-12-17. Review status: reviewed by expert panel. Criteria: ClinGen Platelet ACMG Specifications v2-1. Collection method: curation. Allele origin: germline. Inheritance: Autosomal recessive inheritance.
Comment: The NM_000419.5:c.188G>A variant in ITGA2B is a missense variant predicted to cause substitution of Arginine by Lysine at amino acid 63 (Arg63Lys). Additionally, αIIbβ3 surface expression was reduced to <10% (threshold: <25%), as measured by flow cytometry and Western blot. ITGA2B and ITGB3 were sequenced across all exons and intron/exon boundaries (PP4_Strong, PMID: 12871379). This variant has been detected in homozygosity in at least 1 proband with Glanzmann thrombasthenia. Parents were heterozygous. (0.5pts, PMID: 12871379). Total points: 0.5 (PM3_Supporting). The highest population minor allele frequency in gnomAD v4.1 is 0.000002542 (3/1180026alleles) in the non-Finnish European population, which is lower than the ClinGen PD VCEP threshold (<0.0001; PM2_Supporting). In summary, this variant meets the criteria to be classified as likely pathogenic for autosomal recessive Glanzmann Thrombasthenia based on the ACMG/AMP criteria applied, as specified by the ClinGen PD VCEP: PP4_Strong, PM2_Supporting, PM3_Supporting. (VCEP specifications version 2)

NM_000419.5(ITGA2B):c.188G>A (p.Arg63Lys)

Gene: ITGA2B (integrin subunit alpha 2b; minus strand). Cytogenetic location: 17q21.31.
Variant type: single nucleotide variant.
Coding change: c.188G>A on transcript NM_000419.5 (MANE Select); coding-DNA position 188, G replaced by A.
Protein change: p.Arg63Lys; replaces arginine 63 with lysine.
Molecular consequence: missense variant.
Genome position (GRCh38, 1-based): chr17:44,389,286, C>T on the plus strand (G>A on the coding strand, the complement: ITGA2B is on the minus strand). VCF-style: chr17-44389286-C-T. GRCh37 (hg19) VCF-style: chr17-42466654-C-T.
Other names: NM_000419.5:c.188G>A; short protein forms R63K.
Identifiers: ClinVar variation 1691490 (VCV001691490.3), dbSNP rs767688038, ClinGen allele CA8603528.